The following is an entry in ClinVar:

ClinVar aggregate classification (germline): Conflicting classifications of pathogenicity. Review status: criteria provided, conflicting classifications (1 of 4 stars). 6 submissions from 5 submitters: Uncertain significance (5); Likely benign (1). Last evaluated 2025-04-14.

Conditions:
Cardiovascular phenotype. Identifiers: MedGen CN230736.
RASopathy. Also called: rasopathies; Noonan spectrum disorder. Identifiers: Orphanet 536391, MedGen C5555857, MONDO:0021060.
Fibromatosis, gingival, 1 (GINGF1). Identifiers: Orphanet 2024, MedGen C4551558, MONDO:0007609, OMIM 135300.
Noonan syndrome 4 (NS4). Also called: SOS1-Related Noonan Syndrome; NOONAN SYNDROME WITH PIGMENTED VILLONODULAR SYNOVITIS. Identifiers: Orphanet 648, MedGen C1853120, MONDO:0012547, OMIM 610733.

Allele frequency attached by ClinVar (database versions not stated): ExAC 0.00002.
gnomAD v4.1: 8 of 1,613,814 alleles (0.0005%); highest among the groups gnomAD compares: East Asian, 0.018%; no homozygotes.

Submissions (6):

Labcorp Genetics (formerly Invitae), Labcorp
Classification: Likely benign for RASopathy. Last evaluated: 2025-04-14. Review status: criteria provided, single submitter. Criteria: Invitae Variant Classification Sherloc (09022015). Collection method: clinical testing. Allele origin: germline.

CeGaT Center for Human Genetics Tuebingen
Classification: Uncertain significance. Last evaluated: 2025-02-01. Review status: criteria provided, single submitter. Criteria: CeGaT Center For Human Genetics Tuebingen Variant Classification Criteria Version 2. Collection method: clinical testing. Allele origin: germline. Affected: yes. Observed: 1 variant allele.

Ambry Genetics
Classification: Uncertain significance for Cardiovascular phenotype. Last evaluated: 2025-01-06. Review status: criteria provided, single submitter. Criteria: Ambry Variant Classification Scheme 2023. Collection method: clinical testing. Allele origin: germline.
Comment: The p.P1324R variant (also known as c.3971C>G), located in coding exon 23 of the SOS1 gene, results from a C to G substitution at nucleotide position 3971. The proline at codon 1324 is replaced by arginine, an amino acid with dissimilar properties. This amino acid position is highly conserved in available vertebrate species. In addition, the in silico prediction for this alteration is inconclusive. Since supporting evidence is limited at this time, the clinical significance of this alteration remains unclear.

Laboratory for Molecular Medicine, Mass General Brigham Personalized Medicine
Classification: Uncertain significance. Last evaluated: 2014-07-07. Review status: criteria provided, single submitter. Criteria: LMM Criteria. Collection method: clinical testing. Allele origin: germline. Observed: 1 variant allele.
Comment: The Pro1324Arg variant in SOS1 has not been previously reported in individuals w ith clinical features of a Noonan spectrum disorder and was absent from large po pulation studies. Computational prediction tools and evolutionary conservation a nalysis do not provide strong support for or against an impact to the protein. I n summary, additional information is needed to determine the clinical significan ce of this variant.

Genome-Nilou Lab
Classification: Uncertain significance for Noonan syndrome 4. Review status: criteria provided, single submitter. Criteria: ACMG Guidelines, 2015. Collection method: clinical testing. Allele origin: germline.

Genome-Nilou Lab
Classification: Uncertain significance for Fibromatosis, gingival, 1. Review status: criteria provided, single submitter. Criteria: ACMG Guidelines, 2015. Collection method: clinical testing. Allele origin: germline.

NM_005633.4(SOS1):c.3971C>G (p.Pro1324Arg)

Gene: SOS1 (SOS Ras/Rac guanine nucleotide exchange factor 1; minus strand). Cytogenetic location: 2p22.1.
Variant type: single nucleotide variant.
Coding change: c.3971C>G on transcript NM_005633.4 (MANE Select); coding-DNA position 3971, C replaced by G.
Protein change: p.Pro1324Arg; replaces proline 1324 with arginine.
Molecular consequence: missense variant.
Genome position (GRCh38, 1-based): chr2:38,985,855, G>C on the plus strand (C>G on the coding strand, the complement: SOS1 is on the minus strand). VCF-style: chr2-38985855-G-C. GRCh37 (hg19) VCF-style: chr2-39212996-G-C.
Other names: c.3950C>G, p.Pro1317Arg (NM_001382394.1); c.3926C>G, p.Pro1309Arg (NM_001382395.1); short protein forms P1324R, P1309R, P1317R.
Identifiers: ClinVar variation 165276 (VCV000165276.28), dbSNP rs727503434, ClinGen allele CA178011.
Genomic context (GRCh38, chr2:38,985,855, plus strand): 5'-GGAAAATATACATCCCAGTACAGAGGAACTCAGGAAGAATGGGCATTCTCCAACAGTGGT[G>C]GTCCATCTCTGTGCATGGATGGGTGTGTGTGCTCCCTTTTGTAAGTTTTTGGAGGGAGTT-3'
Protein context (NP_005624.2, residues 1314-1333): HTHPSMHRDG[Pro1324Arg]PLLENAHSS